The following is an entry in ClinVar:

ClinVar aggregate classification (germline): Uncertain significance. Review status: criteria provided, multiple submitters, no conflicts (2 of 4 stars). 4 submissions from 3 submitters: Uncertain significance (3). 1 of the submissions does not count toward it. Last evaluated 2022-08-23.

Conditions:
Severe early-childhood-onset retinal dystrophy (STGD1). Also called: STGD; Stargardt macular dystrophy; Juvenile onset macular degeneration; Stargardt disease 1; MACULAR DYSTROPHY WITH FLECKS, TYPE 1. Identifiers: Orphanet 364055, Orphanet 827, MedGen C1855465, MeSH D000080362, MONDO:0009549, OMIM 248200.
Achromatopsia. Also called: Rod monochromatism. Identifiers: Orphanet 49382, MedGen C0152200, MONDO:0018852, HP:0011516.
Achromatopsia 3 (ACHM3). Also called: PINGELAPESE BLINDNESS; TOTAL COLORBLINDNESS WITH MYOPIA; ROD MONOCHROMACY 1; ROD MONOCHROMATISM 1; ACHROMATOPSIA WITH MYOPIA. Identifiers: Orphanet 49382, MedGen C1849792, MONDO:0009875, OMIM 262300.

Allele frequency attached by ClinVar (database versions not stated): gnomAD 0.00001.
gnomAD v4.1: 1 of 1,605,564 alleles (0.000062%); highest among the groups gnomAD compares: Non-Finnish European, 0.000085%; no homozygotes.

Submissions (4):

Labcorp Genetics (formerly Invitae), Labcorp
Classification: Uncertain significance. Last evaluated: 2022-08-23. Review status: criteria provided, single submitter. Criteria: Invitae Variant Classification Sherloc (09022015). Collection method: clinical testing. Allele origin: germline.
Comment: This sequence change replaces tyrosine, which is neutral and polar, with cysteine, which is neutral and slightly polar, at codon 387 of the CNGB3 protein (p.Tyr387Cys). This variant is not present in population databases (gnomAD no frequency). This variant has not been reported in the literature in individuals affected with CNGB3-related conditions. ClinVar contains an entry for this variant (Variation ID: 363874). Advanced modeling of protein sequence and biophysical properties (such as structural, functional, and spatial information, amino acid conservation, physicochemical variation, residue mobility, and thermodynamic stability) performed at Invitae indicates that this missense variant is expected to disrupt CNGB3 protein function. In summary, the available evidence is currently insufficient to determine the role of this variant in disease. Therefore, it has been classified as a Variant of Uncertain Significance.

Illumina Laboratory Services, Illumina
Classification: Uncertain significance for Achromatopsia 3. Last evaluated: 2018-01-13. Review status: criteria provided, single submitter. Criteria: ICSL Variant Classification Criteria 13 December 2019. Collection method: clinical testing. Allele origin: germline.

Illumina Laboratory Services, Illumina
Classification: Uncertain significance for Severe early-childhood-onset retinal dystrophy. Last evaluated: 2018-01-13. Review status: criteria provided, single submitter. Criteria: ICSL Variant Classification Criteria 13 December 2019. Collection method: clinical testing. Allele origin: germline.

Natera, Inc.
Classification: Uncertain significance for Achromatopsia. Last evaluated: 2020-02-09. Review status: no assertion criteria provided. Collection method: clinical testing. Allele origin: germline. Not counted in ClinVar's aggregate classification.

NM_019098.5(CNGB3):c.1160A>G (p.Tyr387Cys)

Gene: CNGB3 (cyclic nucleotide gated channel subunit beta 3; minus strand). Cytogenetic location: 8q21.3.
Variant type: single nucleotide variant.
Coding change: c.1160A>G on transcript NM_019098.5 (MANE Select); coding-DNA position 1160, A replaced by G.
Protein change: p.Tyr387Cys; replaces tyrosine 387 with cysteine.
Molecular consequence: missense variant.
Genome position (GRCh38, 1-based): chr8:86,643,769, T>C on the plus strand (A>G on the coding strand, the complement: CNGB3 is on the minus strand). VCF-style: chr8-86643769-T-C. GRCh37 (hg19) VCF-style: chr8-87655997-T-C.
Other names: short protein forms Y387C.
Identifiers: ClinVar variation 363874 (VCV000363874.8), dbSNP rs886063160, ClinGen allele CA10631709.
Genomic context (GRCh38, chr8:86,643,769, plus strand): 5'-TAAAAATAATCAATAAAGGTTTCTTTCAAAATCAGAACTTACTCGTTTCCTTCCCCATCA[T>C]ACACCCATCTAGTAGTGCCAATTCCTTCATAGTTTGAAGCCCAGTAATAAACACAGGCAT-3'
Protein context (NP_061971.3, residues 377-397): YEGIGTTRWV[Tyr387Cys]DGEGNEYLRC